The following is an entry in ClinVar:

ClinVar aggregate classification (germline): Pathogenic (1 of 4 stars; one submission).

Conditions:
Neurofibromatosis, type 1 (NF1). Also called: Neurofibromatosis, type I; VON RECKLINGHAUSEN DISEASE; NEUROFIBROMATOSIS, TYPE I, SOMATIC; Peripheral type neurofibromatosis. Identifiers: Orphanet 636, MedGen C0027831, MONDO:0018975, OMIM 162200. Disease mechanism: loss of function.

Submission:

Labcorp Genetics (formerly Invitae), Labcorp
Classification: Pathogenic for Neurofibromatosis, type 1. Last evaluated: 2023-02-23. Review status: criteria provided, single submitter. Criteria: Invitae Variant Classification Sherloc (09022015). Collection method: clinical testing. Allele origin: germline.
Comment: For these reasons, this variant has been classified as Pathogenic. ClinVar contains an entry for this variant (Variation ID: 1452673). This variant has not been reported in the literature in individuals affected with NF1-related conditions. This variant is not present in population databases (gnomAD no frequency). This sequence change creates a premature translational stop signal (p.Arg416Glufs*57) in the NF1 gene. It is expected to result in an absent or disrupted protein product. Loss-of-function variants in NF1 are known to be pathogenic (PMID: 10712197, 23913538).

Literature cited by the submitters: PubMed 10712197; PubMed 23913538.

NM_001042492.3(NF1):c.1246del (p.Arg416fs)

Gene: NF1 (neurofibromin 1; plus strand). Cytogenetic location: 17q11.2.
Variant type: Deletion.
Coding change: c.1246del on transcript NM_001042492.3 (MANE Select); coding-DNA position 1246, one base deleted (C; older notation c.1246delC).
Protein change: p.Arg416fs; shifts the reading frame from arginine 416.
Molecular consequence: frameshift variant.
Genome position (GRCh38, 1-based): chr17:31,201,471, C deleted. VCF-style (leftmost placement, unchanged base first): chr17-31201470-TC-T. GRCh37 (hg19) VCF-style: chr17-29528488-TC-T.
Other names: c.1246delC, p.Arg416Glufs (NM_000267.4); c.1246del, p.Arg416fs (NM_001128147.3); short protein forms R416fs.
Identifiers: ClinVar variation 1452673 (VCV001452673.6), dbSNP rs2143886751, ClinGen allele CA2573153595.
Genomic context (GRCh38, chr17:31,201,470, plus strand): 5'-GATCTGCCTGGCTCAGAATTCACCTTCTACATTTCACTATGTGCTGGTAAATTCACTCCA[TC>T]GAATCATCACCAATGTAAGTCCAAAAGGTATTGCTAAATTACTAAAAAAATTTTTTTCTT-3'